The following is an entry in ClinVar:

ClinVar aggregate classification (germline): Uncertain significance (1 of 4 stars; one submission).

Conditions:
Neuropathy, hereditary sensory, type 2C. Also called: KIF1A-Related HSAN2 (HSAN2C); Hereditary sensory and autonomic neuropathy type IIC. Identifiers: Orphanet 970, MedGen C3280168, MONDO:0013634, OMIM 614213.
Intellectual disability, autosomal dominant 9 (NESCAVS). Also called: NESCAV SYNDROME; KIF1A-Related Neurodevelopmental Disorder. Identifiers: Orphanet 662367, MedGen C5393830, MONDO:0013656, OMIM 614255.
Hereditary spastic paraplegia 30. Identifiers: Orphanet 101010, MedGen C5235139, MONDO:0012476.

Submission:

Labcorp Genetics (formerly Invitae), Labcorp
Classification: Uncertain significance for Hereditary spastic paraplegia 30; Neuropathy, hereditary sensory, type 2C; Intellectual disability, autosomal dominant 9. Last evaluated: 2020-11-14. Review status: criteria provided, single submitter. Criteria: Invitae Variant Classification Sherloc (09022015). Collection method: clinical testing. Allele origin: germline.
Comment: This variant results in a copy number gain of the genomic region encompassing exon(s) 1-34 of the KIF1A gene, which includes the initiator codon. The 5' end of this event is unknown as it extends beyond the assayed region for this gene and therefore may encompass additional genes. The 3' boundary is likely confined to intron 34 of the KIF1A gene. As the precise location of this event is unknown, it may be in tandem or it may be located elsewhere in the genome. This variant has not been reported in the literature in individuals with KIF1A-related conditions. Experimental studies and prediction algorithms are not available or were not evaluated, and the functional significance of this variant is currently unknown. In summary, the available evidence is currently insufficient to determine the role of this variant in disease. Therefore, it has been classified as a Variant of Uncertain Significance.

NC_000002.11:g.(?_241679455)_(241818238_?)dup

Genes: AGXT (alanine--glyoxylate aminotransferase; plus strand), KIF1A (kinesin family member 1A; minus strand). Cytogenetic location: 2q37.3.
Variant type: Duplication.
Identifiers: ClinVar variation 2425065 (VCV002425065.5).